The following is an entry in ClinVar:

ClinVar aggregate classification (germline): Uncertain significance (1 of 4 stars; one submission).

Conditions:
Alstrom syndrome (ALMS). Identifiers: Orphanet 64, MedGen C0268425, MONDO:0008763, OMIM 203800.

Allele frequency attached by ClinVar (database versions not stated): gnomAD exomes below 0.00001.
gnomAD v4.1: 1 of 1,612,434 alleles (0.000062%); highest among the groups gnomAD compares: East Asian, 0.0022%; no homozygotes.

Submission:

Labcorp Genetics (formerly Invitae), Labcorp
Classification: Uncertain significance for Alstrom syndrome. Last evaluated: 2022-03-18. Review status: criteria provided, single submitter. Criteria: Invitae Variant Classification Sherloc (09022015). Collection method: clinical testing. Allele origin: germline.
Comment: This sequence change replaces isoleucine, which is neutral and non-polar, with phenylalanine, which is neutral and non-polar, at codon 1831 of the ALMS1 protein (p.Ile1831Phe). This variant is present in population databases (no rsID available, gnomAD 0.006%). This variant has not been reported in the literature in individuals affected with ALMS1-related conditions. Experimental studies and prediction algorithms are not available or were not evaluated, and the functional significance of this variant is currently unknown. In summary, the available evidence is currently insufficient to determine the role of this variant in disease. Therefore, it has been classified as a Variant of Uncertain Significance.

NM_001378454.1(ALMS1):c.5488A>T (p.Ile1830Phe)

Gene: ALMS1 (ALMS1 centrosome and basal body associated protein; plus strand). Cytogenetic location: 2p13.1.
Variant type: single nucleotide variant.
Coding change: c.5488A>T on transcript NM_001378454.1 (MANE Select); coding-DNA position 5488, A replaced by T.
Protein change: p.Ile1830Phe; replaces isoleucine 1830 with phenylalanine.
Molecular consequence: missense variant.
Genome position (GRCh38, 1-based): chr2:73,452,015, A>T. VCF-style: chr2-73452015-A-T. GRCh37 (hg19) VCF-style: chr2-73679142-A-T.
Other names: c.5491A>T, p.Ile1831Phe (NM_015120.4); short protein forms I1830F, I1831F.
Identifiers: ClinVar variation 2162473 (VCV002162473.4), dbSNP rs1466650279, ClinGen allele CA347282288.